The following is an entry in ClinVar:

NM_015078.4(MCF2L2):c.1482C>G (p.Leu494=)

Genes: MCF2L2 (MCF.2 cell line derived transforming sequence-like 2; minus strand), LOC107986160 (uncharacterized LOC107986160; plus strand). Cytogenetic location: 3q27.1.
Variant type: single nucleotide variant.
Coding change: c.1482C>G on transcript NM_015078.4 (MANE Select); coding-DNA position 1482, C replaced by G.
Protein change: p.Leu494=; no amino-acid change (leucine 494 retained).
Molecular consequence: synonymous variant.
Genome position (GRCh38, 1-based): chr3:183,296,991, G>C on the plus strand (C>G on the coding strand, the complement: MCF2L2 is on the minus strand). VCF-style: chr3-183296991-G-C. GRCh37 (hg19) VCF-style: chr3-183014779-G-C.
Identifiers: ClinVar variation 2654295 (VCV002654295.24), dbSNP rs373754582, ClinGen allele CA2720496.
Genomic context (GRCh38, chr3:183,296,991, plus strand): 5'-TATCCGTTTCCCAACCACAGGATCAAAATAACCCGGAAGCATTACCTTTGCATCGAGGGT[G>C]AGCAGCAACTCAAACTCGTTGTAAAACTCCTTGGGGCTGAGCAACGGGTACTCCTTGACT-3'
Protein context (NP_055893.4, residues 484-504): KEFYNEFELL[Leu494=]TLDAKAKAQK

ClinVar aggregate classification (germline): Likely benign (1 of 4 stars; one submission).

Allele frequency attached by ClinVar (database versions not stated): ESP Exome Variant Server 0.00008; 1000 Genomes Project 30x 0.00062; 1000 Genomes Project 0.00080; ExAC 0.00106.
gnomAD v4.1: 991 of 1,613,838 alleles (0.061%); highest among the groups gnomAD compares: South Asian, 0.65%; 18 homozygotes.

Submission:

CeGaT Center for Human Genetics Tuebingen
Classification: Likely benign. Last evaluated: 2023-02-01. Review status: criteria provided, single submitter. Criteria: CeGaT Center For Human Genetics Tuebingen Variant Classification Criteria Version 2. Collection method: clinical testing. Allele origin: germline. Affected: yes. Observed: 2 variant alleles.
Comment: MCF2L2: BP4, BP7, BS2